The following is an entry in ClinVar:

ClinVar aggregate classification (germline): Pathogenic (1 of 4 stars; one submission).

Allele frequency attached by ClinVar (database versions not stated): gnomAD 0.00001; TOPMed 0.00001.

Submission:

Labcorp Genetics (formerly Invitae), Labcorp
Classification: Pathogenic. Last evaluated: 2025-10-01. Review status: criteria provided, single submitter. Criteria: Invitae Variant Classification Sherloc (09022015). Collection method: clinical testing. Allele origin: germline.
Comment: This sequence change affects a donor splice site in intron 12 of the PPOX gene. While this variant is not anticipated to result in nonsense mediated decay, it likely alters RNA splicing and results in a disrupted protein product. This variant is not present in population databases (gnomAD no frequency). Disruption of this splice site has been observed in individuals with variegate porphyria (PMID: 10486317, 11348478; internal data). ClinVar contains an entry for this variant (Variation ID: 645203). Variants that disrupt the consensus splice site are a relatively common cause of aberrant splicing (PMID: 17576681, 9536098). Algorithms developed to predict the effect of sequence changes on RNA splicing suggest that this variant may disrupt the consensus splice site. For these reasons, this variant has been classified as Pathogenic.

Literature cited by the submitters: PubMed 10486317; PubMed 11348478; PubMed 17576681; PubMed 9536098.

NM_001122764.3(PPOX):c.1291+1G>C

Gene: PPOX (protoporphyrinogen oxidase; plus strand). Cytogenetic location: 1q23.3.
Variant type: single nucleotide variant.
Coding change: c.1291+1G>C on transcript NM_001122764.3 (MANE Select); the canonical splice donor site of the intron after coding-DNA position 1291, G replaced by C.
Molecular consequence: splice donor variant.
Genome position (GRCh38, 1-based): chr1:161,170,950, G>C. VCF-style: chr1-161170950-G-C. GRCh37 (hg19) VCF-style: chr1-161140740-G-C.
Other names: c.805+1G>C (NM_001350130.2, NM_001350131.2, NM_001365401.1); c.1192+1G>C (NM_001350128.2); c.883+1G>C (NM_001350129.2, NM_001365400.1); c.1180+1G>C (NM_001365399.1); c.1291+1G>C (NM_000309.5, NM_001365398.1).
Identifiers: ClinVar variation 645203 (VCV000645203.11), dbSNP rs1571418365, ClinGen allele CA343358838.
Genomic context (GRCh38, chr1:161,170,950, plus strand): 5'-CTCTCCTCTCTTCTCAGAACTGCATTCCCCAGTATACACTAGGTCACTGGCAAAAACTAG[G>C]TAAGTTGGGAAAACAGCTGGGCTGAGGAGGGCCAAGGACATCAGACCCCCAGCTAAAACA-3'